The following is an entry in ClinVar:

ClinVar aggregate classification (germline): Pathogenic/Likely pathogenic. Review status: criteria provided, multiple submitters, no conflicts (2 of 4 stars). 3 submissions from 3 submitters: Pathogenic (2); Likely pathogenic (1). Last evaluated 2024-06-06.

Conditions:
Tolchin-Le Caignec syndrome. Also called: INTELLECTUAL DEVELOPMENTAL DISORDER WITH BEHAVIORAL ABNORMALITIES AND VARIABLE BONE DEFECTS. Identifiers: MedGen C5436509, MONDO:0033544, OMIM 618971.

Submissions (3):

GeneDx
Classification: Pathogenic. Last evaluated: 2024-06-06. Review status: criteria provided, single submitter. Criteria: GeneDx Variant Classification Process June 2021. Collection method: clinical testing. Allele origin: germline. Affected: yes.
Comment: Previously reported as a de novo variant in a patient with a developmental disorder from a large cohort, however, limited clinical information was provided (PMID: 33057194); Nonsense variant predicted to result in protein truncation or nonsense mediated decay in a gene for which loss of function is a known mechanism of disease; Not observed at significant frequency in large population cohorts (gnomAD); This variant is associated with the following publications: (PMID: 35982159, 33057194)

3billion
Classification: Likely pathogenic for Tolchin-Le Caignec syndrome. Last evaluated: 2022-09-01. Review status: criteria provided, single submitter. Criteria: ACMG Guidelines, 2015. Collection method: clinical testing. Allele origin: germline. Affected: yes. Observed: 1 heterozygote.
Comment: The variant is not observed in the gnomAD v2.1.1 dataset. This stop-gained (nonsense) variant is predicted to result in a loss or disruption of normal protein function through nonsense-mediated decay (NMD) or protein truncation. Multiple pathogenic variants are reported downstream of the variant. Therefore, this variant is classified as Likely pathogenic according to the recommendation of ACMG/AMP guideline.

Clinical Biomedical Laboratory, Shriners Hospital For Children - Canada
Classification: Pathogenic for Tolchin-Le Caignec syndrome. Review status: criteria provided, single submitter. Criteria: ACMG Guidelines, 2015. Collection method: clinical testing. Allele origin: germline. Affected: yes.
Comment: This variant is predicted to substitute an arginine residue by a stop codon in exon 12 of SOX6. This is expected to lead to degradation of the affected transcript and loss of function of the affected allele. Loss of function variants in SOX6 are associated with Tolchin-Le Caignec syndrome (OMIM# 618971) (PMID 32442410), which has some overlap with the phenotype reported for the proband. This variant is absent from the Genome Aggregation Database (v2.1.1.), indicating it is very rare. Based on the ACMG variant interpretation guidelines (criteria: PVS1, PS3, PM2, PP3), the available evidence supports classification of this variant as pathogenic.

NM_001367873.1(SOX6):c.1519C>T (p.Arg507Ter)

Gene: SOX6 (SRY-box transcription factor 6; minus strand). Cytogenetic location: 11p15.2.
Variant type: single nucleotide variant.
Coding change: c.1519C>T on transcript NM_001367873.1 (MANE Select); coding-DNA position 1519, C replaced by T.
Protein change: p.Arg507Ter; replaces arginine 507 with a stop codon.
Molecular consequence: nonsense.
Genome position (GRCh38, 1-based): chr11:16,046,618, G>A on the plus strand (C>T on the coding strand, the complement: SOX6 is on the minus strand). VCF-style: chr11-16046618-G-A. GRCh37 (hg19) VCF-style: chr11-16068164-G-A.
Other names: c.1438C>T, p.Arg480Ter (NM_001145811.2, NM_017508.3); c.1519C>T, p.Arg507Ter (NM_001145819.2, NM_033326.3); c.1396C>T, p.Arg466Ter (NM_001367872.1); short protein forms R466*, R480*, R507*.
Identifiers: ClinVar variation 1705315 (VCV001705315.3), dbSNP rs2494128054, ClinGen allele CA379875521.